The following is an entry in ClinVar:

NM_005477.3(HCN4):c.2730C>A (p.Phe910Leu)

Gene: HCN4 (hyperpolarization activated cyclic nucleotide gated potassium channel 4; minus strand). Cytogenetic location: 15q24.1.
Variant type: single nucleotide variant.
Coding change: c.2730C>A on transcript NM_005477.3 (MANE Select); coding-DNA position 2730, C replaced by A.
Protein change: p.Phe910Leu; replaces phenylalanine 910 with leucine.
Molecular consequence: missense variant.
Genome position (GRCh38, 1-based): chr15:73,323,363, G>T on the plus strand (C>A on the coding strand, the complement: HCN4 is on the minus strand). VCF-style: chr15-73323363-G-T. GRCh37 (hg19) VCF-style: chr15-73615704-G-T.
Other names: p.Phe910Leu; short protein forms F910L.
Identifiers: ClinVar variation 264440 (VCV000264440.21), dbSNP rs200814534, ClinGen allele CA7648964.

ClinVar aggregate classification (germline): Conflicting classifications of pathogenicity. Review status: criteria provided, conflicting classifications (1 of 4 stars). 7 submissions from 7 submitters: Uncertain significance (2); Likely benign (4). 1 of the submissions does not count toward it. Last evaluated 2026-01-20.

Conditions:
Cardiovascular phenotype. Identifiers: MedGen CN230736.
HCN4-related disorder. Also called: HCN4-related condition.
Brugada syndrome 8 (BRGDA8). Identifiers: Orphanet 130, MedGen C2751083, MONDO:0013148, OMIM 613123.

Allele frequency attached by ClinVar (database versions not stated): ESP Exome Variant Server 0.00008; gnomAD 0.00013 and 0.00014; ExAC 0.00017; gnomAD exomes 0.00019; TOPMed 0.00031.
gnomAD v4.1: 117 of 1,578,770 alleles (0.0074%); highest among the groups gnomAD compares: Admixed American, 0.12%; no homozygotes.

Submissions (7):

Labcorp Genetics (formerly Invitae), Labcorp
Classification: Likely benign for Brugada syndrome 8. Last evaluated: 2026-01-20. Review status: criteria provided, single submitter. Criteria: Invitae Variant Classification Sherloc (09022015). Collection method: clinical testing. Allele origin: germline.

Mayo Clinic Laboratories, Mayo Clinic
Classification: Likely benign. Last evaluated: 2024-12-27. Review status: criteria provided, single submitter. Criteria: ACMG Guidelines, 2015. Collection method: clinical testing. Allele origin: germline. Observed: 2 variant alleles.
Comment: BS1, BP4

Blueprint Genetics
Classification: Likely benign. Last evaluated: 2024-03-14. Review status: criteria provided, single submitter. Criteria: ACMG Guidelines, 2015. Collection method: clinical testing. Allele origin: germline.

Ambry Genetics
Classification: Likely benign for Cardiovascular phenotype. Last evaluated: 2020-06-04. Review status: criteria provided, single submitter. Criteria: Ambry Variant Classification Scheme 2023. Collection method: clinical testing. Allele origin: germline.

Athena Diagnostics
Classification: Uncertain significance. Last evaluated: 2018-06-15. Review status: criteria provided, single submitter. Criteria: Athena Diagnostics Criteria. Collection method: clinical testing. Allele origin: germline.

GeneDx
Classification: Uncertain significance. Last evaluated: 2017-08-23. Review status: criteria provided, single submitter. Criteria: GeneDx Variant Classification (06012015). Collection method: clinical testing. Allele origin: germline. Affected: yes.
Comment: A variant of uncertain significance has been identified in the HCN4 gene. The F910L variant has been previously reported in at least two Spanish male individuals with sudden cardiac death occurring in their 40's (Sanchez et al., 2016; Campuzano et al., 2017); however, no family history details or segregation studies were reported. This variant is observed in 2/1014 (0.20%) alleles from individuals of Latino ancestry, and in 3/15912 (0.02%) alleles from individuals of Non-Finnish European ancestry, in large population cohorts (Lek et al., 2016; 1000 Genomes Consortium et al., 2015; Exome Variant Server). Additionally, although this substitution occurs at a position that is conserved in mammals, F910L is a conservative amino acid substitution, which is not likely to impact secondary protein structure as these residues share similar properties. Lastly, in silico analysis is inconsistent in its predictions as to whether or not the variant is damaging to the protein structure/function.

PreventionGenetics, part of Exact Sciences
Classification: Likely benign for HCN4-related condition. Last evaluated: 2024-02-06. Review status: no assertion criteria provided. Collection method: clinical testing. Allele origin: germline. Not counted in ClinVar's aggregate classification.
Comment: This variant is classified as likely benign based on ACMG/AMP sequence variant interpretation guidelines (Richards et al. 2015 PMID: 25741868, with internal and published modifications).

Literature cited by the submitters: PubMed 27930701 (cited by 3 submitters); PubMed 28255936 (cited by 3 submitters).